The following is an entry in ClinVar:

NM_015557.3(CHD5):c.1304CCT[2] (p.Ser437del)

Gene: CHD5 (chromodomain helicase DNA binding protein 5; minus strand). Cytogenetic location: 1p36.31.
Variant type: Microsatellite.
Coding change: c.1304CCT[2] on transcript NM_015557.3 (MANE Select); two copies in a row of the 3-base unit CCT starting at c.1304; the reference has three copies in a row; one copy, 3 bases deleted.
Protein change: p.Ser437del; deletes serine 437.
Genome position (GRCh38, 1-based): chr1:6,148,925-6,148,927, AGG deleted on the plus strand (CCT on the coding strand, the reverse complement: CHD5 is on the minus strand); deleting any 3 consecutive bases within chr1:6,148,925-6,148,933 gives the same sequence; the position shown is the placement nearest the transcript's 3' end. VCF-style (leftmost placement, unchanged base first): chr1-6148924-TAGG-T. GRCh37 (hg19) VCF-style: chr1-6208984-TAGG-T.
Other names: short protein forms S437del.
Identifiers: ClinVar variation 3363553 (VCV003363553.1).

ClinVar aggregate classification (germline): Uncertain significance (1 of 4 stars; one submission).

Submission:

GeneDx
Classification: Uncertain significance. Last evaluated: 2023-10-26. Review status: criteria provided, single submitter. Criteria: GeneDx Variant Classification Process June 2021. Collection method: clinical testing. Allele origin: germline. Affected: yes.
Comment: Not observed at significant frequency in large population cohorts (gnomAD); In-frame deletion of 1 amino acid in a non-repeat region; In silico analysis supports a deleterious effect on protein structure/function; Has not been previously published as pathogenic or benign to our knowledge